The following is an entry in ClinVar:

ClinVar aggregate classification (germline): Conflicting classifications of pathogenicity. Review status: criteria provided, conflicting classifications (1 of 4 stars). 4 submissions from 4 submitters: Uncertain significance (3); Likely benign (1). Last evaluated 2026-07-07.

Conditions:
Hereditary cancer-predisposing syndrome. Also called: Tumor predisposition; Hereditary Cancer Syndrome; Neoplastic Syndromes, Hereditary; Hereditary neoplastic syndrome. Identifiers: Orphanet 140162, MedGen C0027672, MeSH D009386, MONDO:0015356.
Tuberous sclerosis 1 (TSC1). Identifiers: Orphanet 805, MedGen C1854465, MONDO:0008612, OMIM 191100.

Allele frequency attached by ClinVar (database versions not stated): TOPMed below 0.00001; gnomAD 0.00001.
gnomAD v4.1: 2 of 1,614,072 alleles (0.00012%); highest among the groups gnomAD compares: African/African-American, 0.0027%; no homozygotes.

Submissions (4):

Ambry Genetics
Classification: Likely benign for Hereditary cancer-predisposing syndrome. Last evaluated: 2026-07-07. Review status: criteria provided, single submitter. Criteria: Ambry Variant Classification Scheme 2023. Collection method: clinical testing. Allele origin: germline.

Labcorp Genetics (formerly Invitae), Labcorp
Classification: Uncertain significance for Tuberous sclerosis 1. Last evaluated: 2025-10-19. Review status: criteria provided, single submitter. Criteria: Invitae Variant Classification Sherloc (09022015). Collection method: clinical testing. Allele origin: germline.
Comment: This sequence change replaces glutamic acid, which is acidic and polar, with aspartic acid, which is acidic and polar, at codon 766 of the TSC1 protein (p.Glu766Asp). This variant is not present in population databases (gnomAD no frequency). This variant has not been reported in the literature in individuals affected with TSC1-related conditions. ClinVar contains an entry for this variant (Variation ID: 821046). Invitae Evidence Modeling of protein sequence and biophysical properties (such as structural, functional, and spatial information, amino acid conservation, physicochemical variation, residue mobility, and thermodynamic stability) indicates that this missense variant is not expected to disrupt TSC1 protein function with a negative predictive value of 95%. In summary, the available evidence is currently insufficient to determine the role of this variant in disease. Therefore, it has been classified as a Variant of Uncertain Significance.

GeneDx
Classification: Uncertain significance. Last evaluated: 2025-05-07. Review status: criteria provided, single submitter. Criteria: GeneDx Variant Classification Process June 2021. Collection method: clinical testing. Allele origin: germline. Affected: yes.
Comment: Not observed at significant frequency in large population cohorts (gnomAD); In silico analysis suggests that this missense variant does not alter protein structure/function; Has not been previously published as pathogenic or benign to our knowledge; This variant is associated with the following publications: (PMID: 18466115)

Genome-Nilou Lab
Classification: Uncertain significance for Tuberous sclerosis 1. Last evaluated: 2021-11-07. Review status: criteria provided, single submitter. Criteria: ACMG Guidelines, 2015. Collection method: clinical testing. Allele origin: germline. Affected: no.

NM_000368.5(TSC1):c.2298G>C (p.Glu766Asp)

Gene: TSC1 (TSC complex subunit 1; minus strand). Cytogenetic location: 9q34.13.
Variant type: single nucleotide variant.
Coding change: c.2298G>C on transcript NM_000368.5 (MANE Select); coding-DNA position 2298, G replaced by C.
Protein change: p.Glu766Asp; replaces glutamic acid 766 with aspartic acid.
Molecular consequence: missense variant.
Genome position (GRCh38, 1-based): chr9:132,902,698, C>G on the plus strand (G>C on the coding strand, the complement: TSC1 is on the minus strand). VCF-style: chr9-132902698-C-G. GRCh37 (hg19) VCF-style: chr9-135778085-C-G.
Other names: c.2295G>C, p.Glu765Asp (NM_001162426.2); c.2145G>C, p.Glu715Asp (NM_001162427.2); c.1935G>C, p.Glu645Asp (NM_001362177.2); short protein forms E765D, E645D, E715D, E766D.
Identifiers: ClinVar variation 821046 (VCV000821046.17), dbSNP rs1403227945, ClinGen allele CA375359672.
Genomic context (GRCh38, chr9:132,902,698, plus strand): 5'-TCGGTCATGCTGCAGCTGTCTGATCTGGCTGTGGAGCTTGGTTACCATAGTGTCACGCTG[C>G]TCCTGGAGCTGATTGTATCTAGCTTGTTCTTTCTGCAGACTAACCTTCCACATCTGGATG-3'
Protein context (NP_000359.1, residues 756-776): KEQARYNQLQ[Glu766Asp]QRDTMVTKLH